The following is an entry in ClinVar:

ClinVar aggregate classification (germline): Likely pathogenic (0 of 4 stars; one submission).

Conditions:
Hypohidrotic X-linked ectodermal dysplasia (XHED). Also called: Anhidrotic ectodermal dysplasia X-linked; Christ Siemens Touraine syndrome; ECTODERMAL DYSPLASIA 1, HYPOHIDROTIC, X-LINKED; ECTODERMAL DYSPLASIA 1, HYPOHIDROTIC/HAIR/TOOTH TYPE, X-LINKED; ECTODERMAL DYSPLASIA, HYPOHIDROTIC, 1; CST SYNDROME. Identifiers: Orphanet 181, Orphanet 238468, MedGen C0162359, MONDO:0010585, OMIM 305100.

Submission:

Laboratory for Molecular Medicine, Mass General Brigham Personalized Medicine
Classification: Likely pathogenic for Hypohidrotic X-linked ectodermal dysplasia. Last evaluated: 2012-05-16. Review status: no assertion criteria provided. Collection method: clinical testing. Allele origin: germline. Inheritance: X-linked inheritance. Observed: 1 variant allele.
Comment: The Tyr301Cys variant in EDA has been reported in one individual with X-linked h ypohidrotic ectodermal dysplasia (Zhang 2011). This variant falls within the TNF domain of the protein and variants in this region are believed to greatly impac t protein function (Zhang 2011). Computational analyses (biochemical amino acid properties, conservation, AlignGVGD, PolyPhen2, and SIFT) also suggest that the Tyr301Cys variant may impact the protein, though this information is not predict ive enough to determine pathogenicity. In summary, this variant is likely to be pathogenic, though additional data is required to fully establish the pathogenic ity of this variant.

Literature cited by the submitters: PubMed 21457804; PubMed 11378824.

NM_001399.5(EDA):c.902A>G (p.Tyr301Cys)

Gene: EDA (ectodysplasin A; plus strand). Cytogenetic location: Xq13.1.
Variant type: single nucleotide variant.
Coding change: c.902A>G on transcript NM_001399.5 (MANE Select); coding-DNA position 902, A replaced by G.
Protein change: p.Tyr301Cys; replaces tyrosine 301 with cysteine.
Molecular consequence: missense variant.
Genome position (GRCh38, 1-based): chrX:70,033,506, A>G. VCF-style: chrX-70033506-A-G. GRCh37 (hg19) VCF-style: chrX-69253356-A-G.
Other names: c.902A>G, p.Tyr301Cys (NM_001005609.2); c.893A>G, p.Tyr298Cys (NM_001005612.3); short protein forms Y301C, Y298C.
Identifiers: ClinVar variation 44215 (VCV000044215.4), dbSNP rs397516681, ClinGen allele CA261510.